The following is an entry in ClinVar:

ClinVar aggregate classification (germline): Uncertain significance. Review status: criteria provided, multiple submitters, no conflicts (2 of 4 stars). 2 submissions from 2 submitters: Uncertain significance (2). Last evaluated 2025-12-20.

Conditions:
Hereditary pancreatitis (PCTT). Also called: PRSS1-Related Hereditary Pancreatitis; Hereditary chronic pancreatitis. Identifiers: Orphanet 676, MedGen C0238339, MONDO:0008185, OMIM 167800.

Submissions (2):

Ambry Genetics
Classification: Uncertain significance for Hereditary pancreatitis. Last evaluated: 2025-12-20. Review status: criteria provided, single submitter. Criteria: Ambry Variant Classification Scheme 2023. Collection method: clinical testing. Allele origin: germline.
Comment: The p.C141Y variant (also known as c.422G>A), located in coding exon 5 of the CTRC gene, results from a G to A substitution at nucleotide position 422. The cysteine at codon 141 is replaced by tyrosine, an amino acid with highly dissimilar properties. This amino acid position is conserved. In addition, this alteration is predicted to be deleterious by in silico analysis. Based on the available evidence, the clinical significance of this variant remains unclear.

Labcorp Genetics (formerly Invitae), Labcorp
Classification: Uncertain significance for Hereditary pancreatitis. Last evaluated: 2024-03-28. Review status: criteria provided, single submitter. Criteria: Invitae Variant Classification Sherloc (09022015). Collection method: clinical testing. Allele origin: germline.
Comment: This sequence change replaces cysteine, which is neutral and slightly polar, with tyrosine, which is neutral and polar, at codon 141 of the CTRC protein (p.Cys141Tyr). This variant is not present in population databases (gnomAD no frequency). This variant has not been reported in the literature in individuals affected with CTRC-related conditions. Advanced modeling of protein sequence and biophysical properties (such as structural, functional, and spatial information, amino acid conservation, physicochemical variation, residue mobility, and thermodynamic stability) performed at Invitae indicates that this missense variant is expected to disrupt CTRC protein function with a positive predictive value of 80%. In summary, the available evidence is currently insufficient to determine the role of this variant in disease. Therefore, it has been classified as a Variant of Uncertain Significance.

NM_007272.3(CTRC):c.422G>A (p.Cys141Tyr)

Gene: CTRC (chymotrypsin C; plus strand). Cytogenetic location: 1p36.21.
Variant type: single nucleotide variant.
Coding change: c.422G>A on transcript NM_007272.3 (MANE Select); coding-DNA position 422, G replaced by A.
Protein change: p.Cys141Tyr; replaces cysteine 141 with tyrosine.
Molecular consequence: missense variant.
Genome position (GRCh38, 1-based): chr1:15,443,484, G>A. VCF-style: chr1-15443484-G-A. GRCh37 (hg19) VCF-style: chr1-15769979-G-A.
Other names: c.422G>A (NM_007272.2); short protein forms C141Y.
Identifiers: ClinVar variation 3691187 (VCV003691187.3).
Genomic context (GRCh38, chr1:15,443,484, plus strand): 5'-ATATTGCCCTCATCAAGCTTGCAGAGCATGTGGAGCTGAGTGACACCATCCAGGTGGCCT[G>A]CCTGCCAGAGAAGGACTCCCTGCTCCCCAAGGACTACCCCTGCTATGTCACCGGCTGGGG-3'
Protein context (NP_009203.2, residues 131-151): VELSDTIQVA[Cys141Tyr]LPEKDSLLPK